The following is an entry in ClinVar:

NM_002340.6(LSS):c.523C>T (p.Arg175Ter)

Gene: LSS (lanosterol synthase; minus strand). Cytogenetic location: 21q22.3.
Variant type: single nucleotide variant.
Coding change: c.523C>T on transcript NM_002340.6 (MANE Select); coding-DNA position 523, C replaced by T.
Protein change: p.Arg175Ter; replaces arginine 175 with a stop codon.
Molecular consequence: nonsense.
Genome position (GRCh38, 1-based): chr21:46,221,881, G>A on the plus strand (C>T on the coding strand, the complement: LSS is on the minus strand). VCF-style: chr21-46221881-G-A. GRCh37 (hg19) VCF-style: chr21-47641795-G-A.
Other names: c.523C>T, p.Arg175Ter (NM_001001438.3); c.490C>T, p.Arg164Ter (NM_001145436.2); c.283C>T, p.Arg95Ter (NM_001145437.2); short protein forms R164*, R175*, R95*.
Identifiers: ClinVar variation 4072283 (VCV004072283.1).

ClinVar aggregate classification (germline): Likely pathogenic (1 of 4 stars; one submission).

Conditions:
Alopecia-intellectual disability syndrome 4. Also called: ALOPECIA-MENTAL RETARDATION SYNDROME 4. Identifiers: MedGen C5394241, MONDO:0030009, OMIM 618840.

gnomAD v4.1: 12 of 1,613,980 alleles (0.00074%); highest among the groups gnomAD compares: South Asian, 0.0022%; no homozygotes.

Submission:

3billion
Classification: Likely pathogenic for Alopecia-intellectual disability syndrome 4. Last evaluated: 2024-09-26. Review status: criteria provided, single submitter. Criteria: ACMG Guidelines, 2015. Collection method: clinical testing. Allele origin: germline. Affected: yes.
Comment: The variant is observed at an extremely low frequency in the gnomAD v4.0.0 dataset (total allele frequency: <0.001%). Predicted Consequence/Location: Stop-gained (nonsense): predicted to result in a loss or disruption of normal protein function through nonsense-mediated decay (NMD) or protein truncation. Multiple pathogenic variants are reported downstream of the variant. Therefore, this variant is classified as Likely pathogenic according to the recommendation of ACMG/AMP guideline.